The following is an entry in ClinVar:

ClinVar aggregate classification (germline): Uncertain significance (1 of 4 stars; one submission).

gnomAD v4.1: 1 of 1,601,546 alleles (0.000062%); highest among the groups gnomAD compares: Non-Finnish European, 0.000085%; no homozygotes.

Submission:

Labcorp Genetics (formerly Invitae), Labcorp
Classification: Uncertain significance. Last evaluated: 2025-01-28. Review status: criteria provided, single submitter. Criteria: Invitae Variant Classification Sherloc (09022015). Collection method: clinical testing. Allele origin: germline.
Comment: This sequence change replaces aspartic acid, which is acidic and polar, with glycine, which is neutral and non-polar, at codon 14 of the CTNNA1 protein (p.Asp14Gly). This variant is not present in population databases (gnomAD no frequency). This variant has not been reported in the literature in individuals affected with CTNNA1-related conditions. Invitae Evidence Modeling of protein sequence and biophysical properties (such as structural, functional, and spatial information, amino acid conservation, physicochemical variation, residue mobility, and thermodynamic stability) has been performed for this missense variant. However, the output from this modeling did not meet the statistical confidence thresholds required to predict the impact of this variant on CTNNA1 protein function. In summary, the available evidence is currently insufficient to determine the role of this variant in disease. Therefore, it has been classified as a Variant of Uncertain Significance.

NM_001903.5(CTNNA1):c.41A>G (p.Asp14Gly)

Gene: CTNNA1 (catenin alpha 1; plus strand). Cytogenetic location: 5q31.2.
Variant type: single nucleotide variant.
Coding change: c.41A>G on transcript NM_001903.5 (MANE Select); coding-DNA position 41, A replaced by G.
Protein change: p.Asp14Gly; replaces aspartic acid 14 with glycine.
Molecular consequence: missense variant. On other transcripts: 5 prime UTR variant (2).
Genome position (GRCh38, 1-based): chr5:138,781,965, A>G. VCF-style: chr5-138781965-A-G. GRCh37 (hg19) VCF-style: chr5-138117654-A-G.
Other names: c.41A>G, p.Asp14Gly (NM_001323983.1, NM_001323984.2, NM_001323985.2 and 3 more transcripts); c.-73A>G (NM_001290309.3); c.-166A>G (NM_001290310.3); short protein forms D14G.
Identifiers: ClinVar variation 3713463 (VCV003713463.2).
Genomic context (GRCh38, chr5:138,781,965, plus strand): 5'-TTTTTGTTTCTTATTTAGAAATGACTGCTGTCCATGCAGGCAACATAAACTTCAAGTGGG[A>G]TCCTAAAAGTCTAGAGATCAGGACTCTGGCAGTTGAGAGACTGTTGGAGCCTCTTGTTAC-3'
Protein context (NP_001894.2, residues 4-24): VHAGNINFKW[Asp14Gly]PKSLEIRTLA